The following is an entry in ClinVar:

NM_001903.5(CTNNA1):c.789C>T (p.Ala263=)

Gene: CTNNA1 (catenin alpha 1; plus strand). Cytogenetic location: 5q31.2.
Variant type: single nucleotide variant.
Coding change: c.789C>T on transcript NM_001903.5 (MANE Select); coding-DNA position 789, C replaced by T.
Protein change: p.Ala263=; no amino-acid change (alanine 263 retained).
Molecular consequence: synonymous variant.
Genome position (GRCh38, 1-based): chr5:138,824,730, C>T. VCF-style: chr5-138824730-C-T. GRCh37 (hg19) VCF-style: chr5-138160419-C-T.
Other names: c.789C>T, p.Ala263= (NM_001290307.3, NM_001323982.2, NM_001323983.1 and 3 more transcripts); c.480C>T, p.Ala160= (NM_001290309.3); c.420C>T, p.Ala140= (NM_001290310.3).
Identifiers: ClinVar variation 1761079 (VCV001761079.3), dbSNP rs2149776467, ClinGen allele CA446595050.
Genomic context (GRCh38, chr5:138,824,730, plus strand): 5'-GATATACAAGCAGCTGCAGCAGGCGGTCACAGGCATTTCCAATGCAGCCCAGGCCACTGC[C>T]TCAGACGATGCCTCACAGCACCAGGGTGGAGGAGGAGGAGAACTGGCATATGCACTCAAT-3'
Protein context (NP_001894.2, residues 253-273): TGISNAAQAT[Ala263=]SDDASQHQGG

ClinVar aggregate classification (germline): Benign/Likely benign. Review status: criteria provided, multiple submitters, no conflicts (2 of 4 stars). 2 submissions from 2 submitters: Benign (1); Likely benign (1). Last evaluated 2024-10-10.

Conditions:
Hereditary diffuse gastric adenocarcinoma (HDGC). Also called: DIFFUSE GASTRIC AND LOBULAR BREAST CANCER SYNDROME. Identifiers: Orphanet 26106, MedGen C1708349, MONDO:0007648, OMIM 137215.
Hereditary cancer-predisposing syndrome. Also called: Neoplastic Syndromes, Hereditary; Tumor predisposition; Hereditary neoplastic syndrome; Hereditary Cancer Syndrome. Identifiers: Orphanet 140162, MedGen C0027672, MeSH D009386, MONDO:0015356.

Allele frequency attached by ClinVar (database versions not stated): gnomAD exomes below 0.00001.
gnomAD v4.1: 1 of 1,614,206 alleles (0.000062%); highest among the groups gnomAD compares: South Asian, 0.0011%; no homozygotes.

Submissions (2):

Myriad Genetics, Inc.
Classification: Benign for Hereditary diffuse gastric adenocarcinoma. Last evaluated: 2024-10-10. Review status: criteria provided, single submitter. Criteria: Myriad Autosomal Dominant, Autosomal Recessive and X-Linked Classification Criteria (2023). Collection method: clinical testing. Allele origin: unknown.
Comment: This variant is considered benign. This variant is a silent/synonymous amino acid change and it is not expected to impact splicing.

Ambry Genetics
Classification: Likely benign for Hereditary cancer-predisposing syndrome. Last evaluated: 2021-06-20. Review status: criteria provided, single submitter. Criteria: Ambry Variant Classification Scheme 2023. Collection method: clinical testing. Allele origin: germline.